The following is an entry in ClinVar:

ClinVar aggregate classification (germline): Benign. Review status: criteria provided, multiple submitters, no conflicts (2 of 4 stars). 5 submissions from 5 submitters: Benign (5). Last evaluated 2025-08-19.

Conditions:
MSTO1-related disorder. Also called: MSTO1‑Related Disease.
Mitochondrial myopathy-cerebellar ataxia-pigmentary retinopathy syndrome. Also called: MYOPATHY, MITOCHONDRIAL, AND ATAXIA. Identifiers: Orphanet 502423, MedGen C4540096, MONDO:0044714, OMIM 617675.

Allele frequency attached by ClinVar (database versions not stated): ExAC 0.85792; gnomAD exomes 0.97601.

Submissions (5):

PreventionGenetics, part of Exact Sciences
Classification: Benign for MSTO1-related condition. Last evaluated: 2025-08-19. Review status: criteria provided, single submitter. Criteria: ACMG Guidelines, 2015. Collection method: clinical testing. Allele origin: germline.
Comment: This variant is classified as benign based on ACMG/AMP sequence variant interpretation guidelines (Richards et al. 2015 PMID: 25741868, with internal and published modifications).

Blueprint Genetics
Classification: Benign. Last evaluated: 2024-11-26. Review status: criteria provided, single submitter. Criteria: ACMG Guidelines, 2015. Collection method: clinical testing. Allele origin: germline.

Genome-Nilou Lab
Classification: Benign for Mitochondrial myopathy-cerebellar ataxia-pigmentary retinopathy syndrome. Last evaluated: 2021-09-05. Review status: criteria provided, single submitter. Criteria: ACMG Guidelines, 2015. Collection method: clinical testing. Allele origin: germline. Affected: no.

GeneDx
Classification: Benign. Last evaluated: 2021-05-13. Review status: criteria provided, single submitter. Criteria: GeneDx Variant Classification Process June 2021. Collection method: clinical testing. Allele origin: germline. Affected: yes.

Breakthrough Genomics
Classification: Benign. Review status: criteria provided, single submitter. Criteria: ACMG Guidelines, 2015. Collection method: not provided. Allele origin: germline. Inheritance: Autosomal recessive inheritance. Affected: yes.

NM_018116.4(MSTO1):c.561-17A>G

Gene: MSTO1 (misato mitochondrial distribution and morphology regulator 1; plus strand). Cytogenetic location: 1q22.
Variant type: single nucleotide variant.
Coding change: c.561-17A>G on transcript NM_018116.4 (MANE Select); 17 bases into the intron before coding-DNA position 561, A replaced by G.
Molecular consequence: intron variant. On other transcripts: missense variant (4), initiator codon variant (4).
Genome position (GRCh38, 1-based): chr1:155,611,966, A>G. VCF-style: chr1-155611966-A-G. GRCh37 (hg19) VCF-style: chr1-155581757-A-G.
Other names: c.1A>G, p.Met1Val (NM_001350784.1, NM_001350785.1, NM_001350787.1 and 1 more transcripts); c.30-17A>G (NM_001350779.1, NM_001350778.1, NM_001350777.1); c.27-17A>G (NM_001350781.1, NM_001350786.1, NM_001350788.1 and 3 more transcripts); c.396-17A>G (NM_001350776.1); c.561-17A>G (NM_001350773.1, NM_001350774.1, NM_001350775.1 and 3 more transcripts); short protein forms M1V.
Identifiers: ClinVar variation 1277376 (VCV001277376.7), dbSNP rs1200697, ClinGen allele CA1147948.